The following is an entry in ClinVar:

NM_014991.6(WDFY3):c.894A>G (p.Gln298=)

Gene: WDFY3 (WD repeat and FYVE domain containing 3; minus strand). Cytogenetic location: 4q21.23.
Variant type: single nucleotide variant.
Coding change: c.894A>G on transcript NM_014991.6 (MANE Select); coding-DNA position 894, A replaced by G.
Protein change: p.Gln298=; no amino-acid change (glutamine 298 retained).
Molecular consequence: synonymous variant.
Genome position (GRCh38, 1-based): chr4:84,829,066, T>C on the plus strand (A>G on the coding strand, the complement: WDFY3 is on the minus strand). VCF-style: chr4-84829066-T-C. GRCh37 (hg19) VCF-style: chr4-85750219-T-C.
Other names: c.894A>G (NM_014991.4).
Identifiers: ClinVar variation 2654885 (VCV002654885.26), dbSNP rs147661829, ClinGen allele CA2994071.

ClinVar aggregate classification (germline): Likely benign. Review status: criteria provided, multiple submitters, no conflicts (2 of 4 stars). 3 submissions from 3 submitters: Likely benign (2). 1 of the submissions does not count toward it. Last evaluated 2026-03-01.

Conditions:
WDFY3-related disorder.

Allele frequency attached by ClinVar (database versions not stated): ExAC 0.00065; TOPMed 0.00072; gnomAD 0.00080; gnomAD exomes 0.00089; ESP Exome Variant Server 0.00123.
gnomAD v4.1: 1,428 of 1,613,816 alleles (0.088%); highest among the groups gnomAD compares: Middle Eastern, 0.21%; 1 homozygote.

Submissions (3):

CeGaT Center for Human Genetics Tuebingen
Classification: Likely benign. Last evaluated: 2026-03-01. Review status: criteria provided, single submitter. Criteria: CeGaT Center For Human Genetics Tuebingen Variant Classification Criteria Version 2. Collection method: clinical testing. Allele origin: germline. Affected: yes. Observed: 6 variant alleles.
Comment: WDFY3: BP4, BP7, BS1

Blueprint Genetics
Classification: Likely benign. Last evaluated: 2024-11-13. Review status: criteria provided, single submitter. Criteria: ACMG Guidelines, 2015. Collection method: clinical testing. Allele origin: germline.

PreventionGenetics, part of Exact Sciences
Classification: Likely benign for WDFY3-related condition. Last evaluated: 2022-05-10. Review status: no assertion criteria provided. Collection method: clinical testing. Allele origin: germline. Not counted in ClinVar's aggregate classification.
Comment: This variant is classified as likely benign based on ACMG/AMP sequence variant interpretation guidelines (Richards et al. 2015 PMID: 25741868, with internal and published modifications).